The following is an entry in ClinVar:

ClinVar aggregate classification (germline): Uncertain significance. Review status: criteria provided, multiple submitters, no conflicts (2 of 4 stars). 2 submissions from 2 submitters: Uncertain significance (2). Last evaluated 2024-08-23.

Conditions:
Alstrom syndrome (ALMS). Identifiers: Orphanet 64, MedGen C0268425, MONDO:0008763, OMIM 203800.

gnomAD v4.1: 1 of 1,613,880 alleles (0.000062%); no homozygotes.

Submissions (2):

Blueprint Genetics
Classification: Uncertain significance. Last evaluated: 2024-08-23. Review status: criteria provided, single submitter. Criteria: ACMG Guidelines, 2015. Collection method: clinical testing. Allele origin: germline.

Labcorp Genetics (formerly Invitae), Labcorp
Classification: Uncertain significance for Alstrom syndrome. Last evaluated: 2022-07-11. Review status: criteria provided, single submitter. Criteria: Invitae Variant Classification Sherloc (09022015). Collection method: clinical testing. Allele origin: germline.
Comment: This sequence change replaces leucine, which is neutral and non-polar, with valine, which is neutral and non-polar, at codon 677 of the ALMS1 protein (p.Leu677Val). This variant is present in population databases (no rsID available, gnomAD no frequency). This variant has not been reported in the literature in individuals affected with ALMS1-related conditions. Experimental studies and prediction algorithms are not available or were not evaluated, and the functional significance of this variant is currently unknown. In summary, the available evidence is currently insufficient to determine the role of this variant in disease. Therefore, it has been classified as a Variant of Uncertain Significance.

NM_001378454.1(ALMS1):c.2026C>G (p.Leu676Val)

Gene: ALMS1 (ALMS1 centrosome and basal body associated protein; plus strand). Cytogenetic location: 2p13.1.
Variant type: single nucleotide variant.
Coding change: c.2026C>G on transcript NM_001378454.1 (MANE Select); coding-DNA position 2026, C replaced by G.
Protein change: p.Leu676Val; replaces leucine 676 with valine.
Molecular consequence: missense variant.
Genome position (GRCh38, 1-based): chr2:73,448,553, C>G. VCF-style: chr2-73448553-C-G. GRCh37 (hg19) VCF-style: chr2-73675680-C-G.
Other names: c.2029C>G, p.Leu677Val (NM_015120.4); short protein forms L677V, L676V.
Identifiers: ClinVar variation 1963827 (VCV001963827.3), dbSNP rs895031942, ClinGen allele CA50391288.